The following is an entry in ClinVar:

ClinVar aggregate classification (germline): Uncertain significance (1 of 4 stars; one submission).

Conditions:
Severe combined immunodeficiency due to DCLRE1C deficiency (RS-SCID). Also called: SCID, AUTOSOMAL RECESSIVE, T CELL-NEGATIVE, B CELL-NEGATIVE, NK CELL-POSITIVE, WITH SENSITIVITY TO IONIZING RADIATION. Identifiers: Orphanet 275, MedGen C1865371, MONDO:0011225, OMIM 602450.

Allele frequency attached by ClinVar (database versions not stated): 1000 Genomes Project 30x 0.00031; gnomAD 0.00007; TOPMed 0.00007; ExAC 0.00008; 1000 Genomes Project 0.00020; gnomAD exomes 0.00003.
gnomAD v4.1: 53 of 1,613,864 alleles (0.0033%); highest among the groups gnomAD compares: African/African-American, 0.017%; no homozygotes.

Submission:

Labcorp Genetics (formerly Invitae), Labcorp
Classification: Uncertain significance for Athabaskan severe combined immunodeficiency. Last evaluated: 2024-02-20. Review status: criteria provided, single submitter. Criteria: Invitae Variant Classification Sherloc (09022015). Collection method: clinical testing. Allele origin: germline.
Comment: This sequence change replaces threonine, which is neutral and polar, with methionine, which is neutral and non-polar, at codon 365 of the DCLRE1C protein (p.Thr365Met). This variant is present in population databases (rs376153057, gnomAD 0.02%). This variant has not been reported in the literature in individuals affected with DCLRE1C-related conditions. ClinVar contains an entry for this variant (Variation ID: 2072917). Advanced modeling of protein sequence and biophysical properties (such as structural, functional, and spatial information, amino acid conservation, physicochemical variation, residue mobility, and thermodynamic stability) performed at Invitae indicates that this missense variant is not expected to disrupt DCLRE1C protein function with a negative predictive value of 80%. In summary, the available evidence is currently insufficient to determine the role of this variant in disease. Therefore, it has been classified as a Variant of Uncertain Significance.

NM_001033855.3(DCLRE1C):c.1094C>T (p.Thr365Met)

Gene: DCLRE1C (DNA cross-link repair 1C; minus strand). Cytogenetic location: 10p13.
Variant type: single nucleotide variant.
Coding change: c.1094C>T on transcript NM_001033855.3 (MANE Select); coding-DNA position 1094, C replaced by T.
Protein change: p.Thr365Met; replaces threonine 365 with methionine.
Molecular consequence: missense variant. On other transcripts: non-coding transcript variant (4).
Genome position (GRCh38, 1-based): chr10:14,919,800, G>A on the plus strand (C>T on the coding strand, the complement: DCLRE1C is on the minus strand). VCF-style: chr10-14919800-G-A. GRCh37 (hg19) VCF-style: chr10-14961799-G-A.
Other names: c.734C>T, p.Thr245Met (NM_001033857.3, NM_001033858.3, NM_001289077.2 and 2 more transcripts); c.749C>T, p.Thr250Met (NM_001289076.2, NM_001289078.2, NM_001350966.2 and 1 more transcripts); c.1094C>T, p.Thr365Met (NM_001350965.2); short protein forms T250M, T245M, T365M.
Identifiers: ClinVar variation 2072917 (VCV002072917.2), dbSNP rs376153057, ClinGen allele CA5416551.
Genomic context (GRCh38, chr10:14,919,800, plus strand): 5'-GAGTCTCGGTGAACTGTTCTAGCTCTCTTCAGTTTTCCCAGTGGTTTATACTTTGGCTCC[G>A]TACTTTGGGAAGACCGGCATAAAGGCTTTAAGCTGAAATGAATCAGAATATTTGATTTTT-3'
Protein context (NP_001029027.1, residues 355-375): LKPLCRSSQS[Thr365Met]EPKYKPLGKL